The following is an entry in ClinVar:

NM_052845.4(MMAB):c.37_57delinsAA (p.Gly13fs)

Genes: MMAB (metabolism of cobalamin associated B; minus strand), MVK (mevalonate kinase; plus strand). Cytogenetic location: 12q24.11.
Variant type: Indel.
Coding change: c.37_57delinsAA on transcript NM_052845.4 (MANE Select); coding-DNA positions 37 to 57, GGGAGCCGTCTTGGCCTGCGC replaced by AA.
Protein change: p.Gly13fs; shifts the reading frame from glycine 13.
Molecular consequence: frameshift variant. On other transcripts: non-coding transcript variant (1).
Genome position (GRCh38, 1-based): chr12:109,573,424-109,573,444, GCGCAGGCCAAGACGGCTCCC replaced by TT on the plus strand (GGGAGCCGTCTTGGCCTGCGC replaced by AA on the coding strand, the reverse complement: MMAB is on the minus strand). VCF-style: chr12-109573424-GCGCAGGCCAAGACGGCTCCC-TT. GRCh37 (hg19) VCF-style: chr12-110011229-GCGCAGGCCAAGACGGCTCCC-TT.
Other names: short protein forms G13fs.
Identifiers: ClinVar variation 4816440 (VCV004816440.1).
Genomic context (GRCh38, chr12:109,573,424, plus strand): 5'-GCCCTGAGGGCCGCGGCTCTGGAAACGGGGATACAGGAGCCTGGCGGCGCCGAAGCACCC[GCGCAGGCCAAGACGGCTCCC>TT]CAGGCCAAGACGGCTCCCCAGGCCGCACACAGCCATGAGCCAGGCTGCTTGACGGGACCT-3'

ClinVar aggregate classification (germline): Likely pathogenic (1 of 4 stars; one submission).

Conditions:
Methylmalonic aciduria, cblB type (MACB). Also called: METHYLMALONIC ACIDURIA, VITAMIN B12-RESPONSIVE, DUE TO DEFECT IN SYNTHESIS OF ADENOSYLCOBALAMIN, cblB TYPE; Methylmalonic acidemia cblB type; Vitamin B12-responsive methylmalonic acidemia type cblB. Identifiers: Orphanet 28, Orphanet 79311, MedGen C1855102, MONDO:0009614, OMIM 251110.

Submission:

Natera, Inc.
Classification: Likely pathogenic for Methylmalonic aciduria cblB type. Last evaluated: 2024-12-30. Review status: criteria provided, single submitter. Criteria: Natera Variant Classification Schema (03/2026). Collection method: clinical testing. Allele origin: germline.
Comment: The c.37_57delinsAA variant in MMAB is a frameshift variant predicted to shift the reading frame beginning at codon 13 and leads to a stop codon 74 codons downstream. This variant is expected to result in nonsense mediated decay, truncation, or a dysfunctional protein product. This variant is rare in the general population with a frequency below the threshold expected for the associated phenotype(s). Given the available evidence, this variant is classified as Likely Pathogenic.